The following is an entry in ClinVar:

NM_000187.4(HGD):c.470-1_470insA

Gene: HGD (homogentisate 1,2-dioxygenase; minus strand). Cytogenetic location: 3q13.33.
Variant type: Insertion.
Coding change: c.470-1_470insA on transcript NM_000187.4 (MANE Select); the canonical splice acceptor site of the intron before coding-DNA position 470 through coding-DNA position 470, A inserted.
Molecular consequence: splice acceptor variant.
Genome position: GRCh38 VCF-style: chr3-120647052-A-AT. GRCh37 (hg19) VCF-style: chr3-120365899-A-AT.
Identifiers: ClinVar variation 2584701 (VCV002584701.2), dbSNP rs2472702248, ClinGen allele CA2582342881.
Genomic context (GRCh38, chr3:120,647,052, plus strand): 5'-TTGGGCTGTACAAGCATCTTGCCAAACTCGGTGTAAATGAGAAGGTTCCCTTTCTGCGGA[A>AT]CTGACAAAAAAAGACAGGGCAGTGGTGAGCAATTCTTTTGGTGTGATAACCATTTCATGA-3'

ClinVar aggregate classification (germline): Pathogenic (0 of 4 stars; one submission).

Conditions:
Alkaptonuria (AKU). Also called: Alkaptonuric ochronosis; Homogentisic acidura; HOMOGENTISIC ACID OXIDASE DEFICIENCY; Alcaptonuria. Identifiers: Orphanet 56, MedGen C0002066, MONDO:0008753, OMIM 203500.

Submission:

Department Of Human Genetics, Institute Of Clinical And Translational Research, Biomedical Research Center, Slovak Academy Of Sciences
Classification: Pathogenic for Alkaptonuria. Review status: no assertion criteria provided. Collection method: research. Allele origin: germline. Inheritance: Autosomal recessive inheritance. Affected: yes. Observed: 1 variant allele.
Comment: The variant was originally described in PMID:23430897. It has been submitted to the HGD gene mutation database (DB-ID: AKU_00046).

Literature cited by the submitters: PubMed 23430897.